The following is an entry in ClinVar:

ClinVar aggregate classification (germline): Likely benign (0 of 4 stars; one submission).

Conditions:
DROSHA-related disorder. Also called: DROSHA-related condition.

Allele frequency attached by ClinVar (database versions not stated): TOPMed 0.00001; gnomAD exomes 0.00002.
gnomAD v4.1: 31 of 1,613,984 alleles (0.0019%); highest among the groups gnomAD compares: Non-Finnish European, 0.0026%; no homozygotes.

Submission:

PreventionGenetics, part of Exact Sciences
Classification: Likely benign for DROSHA-related condition. Last evaluated: 2022-09-20. Review status: no assertion criteria provided. Collection method: clinical testing. Allele origin: germline.
Comment: This variant is classified as likely benign based on ACMG/AMP sequence variant interpretation guidelines (Richards et al. 2015 PMID: 25741868, with internal and published modifications).

NM_001382508.1(DROSHA):c.3570A>G (p.Val1190=)

Gene: DROSHA (drosha ribonuclease III; minus strand). Cytogenetic location: 5p13.3.
Variant type: single nucleotide variant.
Coding change: c.3570A>G on transcript NM_001382508.1 (MANE Select); coding-DNA position 3570, A replaced by G.
Protein change: p.Val1190=; no amino-acid change (valine 1190 retained).
Molecular consequence: synonymous variant.
Genome position (GRCh38, 1-based): chr5:31,410,843, T>C on the plus strand (A>G on the coding strand, the complement: DROSHA is on the minus strand). VCF-style: chr5-31410843-T-C. GRCh37 (hg19) VCF-style: chr5-31410950-T-C.
Other names: c.3459A>G, p.Val1153= (NM_001100412.2); c.3570A>G, p.Val1190= (NM_013235.5).
Identifiers: ClinVar variation 3054331 (VCV003054331.2), dbSNP rs750285143, ClinGen allele CA115775814.